The following is an entry in ClinVar:

NM_001048166.1(STIL):c.2491A>G (p.Ile831Val)

Gene: STIL (STIL centriolar assembly protein; minus strand). Cytogenetic location: 1p33.
Variant type: single nucleotide variant.
Coding change: c.2491A>G on transcript NM_001048166.1 (MANE Select); coding-DNA position 2491, A replaced by G.
Protein change: p.Ile831Val; replaces isoleucine 831 with valine.
Molecular consequence: missense variant.
Genome position (GRCh38, 1-based): chr1:47,269,759, T>C on the plus strand (A>G on the coding strand, the complement: STIL is on the minus strand). VCF-style: chr1-47269759-T-C. GRCh37 (hg19) VCF-style: chr1-47735431-T-C.
Other names: c.2491A>G, p.Ile831Val (NM_001282936.1, NM_001282937.1, NM_003035.2); c.2350A>G, p.Ile784Val (NM_001282938.1, NM_001282939.1, NM_001377417.1); short protein forms I784V, I831V.
Identifiers: ClinVar variation 1302712 (VCV001302712.3), dbSNP rs569374620, ClinGen allele CA842166.
Genomic context (GRCh38, chr1:47,269,759, plus strand): 5'-GAATATCAACTGCTTTTAATGAAGATGCACTACCTGGAAGACTTGTGACTTCATTATTAA[T>C]ATCGACAGAAAAATTCATGTCCTCACTGGAAATTTTGGTATCATCTTGCTTCATTTGAGA-3'
Protein context (NP_001041631.1, residues 821-841): SSEDMNFSVD[Ile831Val]NNEVTSLPGS

ClinVar aggregate classification (germline): Uncertain significance. Review status: criteria provided, multiple submitters, no conflicts (2 of 4 stars). 2 submissions from 2 submitters: Uncertain significance (2). Last evaluated 2019-05-08.

Allele frequency attached by ClinVar (database versions not stated): gnomAD exomes 0.00002; TOPMed 0.00003; ExAC 0.00004; gnomAD 0.00006 and 0.00007; 1000 Genomes Project 0.00020; 1000 Genomes Project 30x 0.00062.
gnomAD v4.1: 37 of 1,614,200 alleles (0.0023%); highest among the groups gnomAD compares: African/African-American, 0.035%; no homozygotes.

Submissions (2):

GeneDx
Classification: Uncertain significance. Last evaluated: 2019-05-08. Review status: criteria provided, single submitter. Criteria: GeneDx Variant Classification Process June 2021. Collection method: clinical testing. Allele origin: germline. Affected: yes.
Comment: Not observed at a significant frequency in large population cohorts (Lek et al., 2016); In silico analysis, which includes protein predictors and evolutionary conservation, supports that this variant does not alter protein structure/function; Has not been previously published as pathogenic or benign to our knowledge

Breakthrough Genomics
Classification: Uncertain significance. Review status: criteria provided, single submitter. Criteria: ACMG Guidelines, 2015. Collection method: not provided. Allele origin: germline. Inheritance: Autosomal recessive inheritance. Affected: yes.